The following is an entry in ClinVar:

ClinVar aggregate classification (germline): Uncertain significance (1 of 4 stars; one submission).

Conditions:
Hereditary nonpolyposis colorectal neoplasms. Identifiers: MedGen C0009405, MeSH D003123.

Submission:

Labcorp Genetics (formerly Invitae), Labcorp
Classification: Uncertain significance for Hereditary nonpolyposis colorectal neoplasms. Last evaluated: 2020-01-05. Review status: criteria provided, single submitter. Criteria: Invitae Variant Classification Sherloc (09022015). Collection method: clinical testing. Allele origin: germline.
Comment: This variant has not been reported in the literature in individuals with MSH6-related conditions. In summary, the available evidence is currently insufficient to determine the role of this variant in disease. Therefore, it has been classified as a Variant of Uncertain Significance. Algorithms developed to predict the effect of missense changes on protein structure and function (SIFT, PolyPhen-2, Align-GVGD) all suggest that this variant is likely to be disruptive, but these predictions have not been confirmed by published functional studies and their clinical significance is uncertain. This variant is not present in population databases (ExAC no frequency). This sequence change replaces arginine with serine at codon 1095 of the MSH6 protein (p.Arg1095Ser). The arginine residue is highly conserved and there is a moderate physicochemical difference between arginine and serine.

NM_000179.3(MSH6):c.3283C>A (p.Arg1095Ser)

Gene: MSH6 (mutS homolog 6; plus strand). Cytogenetic location: 2p16.3.
Variant type: single nucleotide variant.
Coding change: c.3283C>A on transcript NM_000179.3 (MANE Select); coding-DNA position 3283, C replaced by A.
Protein change: p.Arg1095Ser; replaces arginine 1095 with serine.
Molecular consequence: missense variant.
Genome position (GRCh38, 1-based): chr2:47,803,530, C>A. VCF-style: chr2-47803530-C-A. GRCh37 (hg19) VCF-style: chr2-48030669-C-A.
Other names: c.2893C>A, p.Arg965Ser (NM_001281492.2); c.2377C>A, p.Arg793Ser (NM_001281493.2, NM_001281494.2); short protein forms R793S, R1095S, R965S.
Identifiers: ClinVar variation 1044123 (VCV001044123.10), dbSNP rs376243329, ClinGen allele CA46715962.
Genomic context (GRCh38, chr2:47,803,530, plus strand): 5'-TGTCGCCCAGTAATTCTGTTGCCGGAAGATACCCCCCCCTTCTTAGAGCTTAAAGGATCA[C>A]GCCATCCTTGCATTACGAAGACTTTTTTTGGAGATGATTTTATTCCTAATGACATTCTAA-3'
Protein context (NP_000170.1, residues 1085-1105): TPPFLELKGS[Arg1095Ser]HPCITKTFFG